The following is an entry in ClinVar:

NM_002693.3(POLG):c.1789C>T (p.Arg597Trp)

Gene: POLG (DNA polymerase gamma, catalytic subunit; minus strand). Cytogenetic location: 15q26.1.
Variant type: single nucleotide variant.
Coding change: c.1789C>T on transcript NM_002693.3 (MANE Select); coding-DNA position 1789, C replaced by T.
Protein change: p.Arg597Trp; replaces arginine 597 with tryptophan.
Molecular consequence: missense variant.
Genome position (GRCh38, 1-based): chr15:89,325,610, G>A on the plus strand (C>T on the coding strand, the complement: POLG is on the minus strand). VCF-style: chr15-89325610-G-A. GRCh37 (hg19) VCF-style: chr15-89868841-G-A.
Other names: p.Arg597Trp; c.1789C>T, p.Arg597Trp (NM_001126131.2); short protein forms R597W.
Identifiers: ClinVar variation 381520 (VCV000381520.30), dbSNP rs139717885, ClinGen allele CA7724686.
Genomic context (GRCh38, chr15:89,325,610, plus strand): 5'-GCTCTGAGTAGTGCAGAGGGAAGCCATCCCAGGTAAGTGCCATGAGTTTAGGTGTGACCC[G>A]CATCTGCAGGCTGAGGAGGCTGGGGCCCGGGGTCCATGCAGGGTCGTCTAGCCGGGGGCA-3'
Protein context (NP_002684.1, residues 587-607): PGPSLLSLQM[Arg597Trp]VTPKLMALTW

ClinVar aggregate classification (germline): Pathogenic/Likely pathogenic. Review status: criteria provided, multiple submitters, no conflicts (2 of 4 stars). 10 submissions from 9 submitters: Pathogenic (9); Likely pathogenic (1). Last evaluated 2025-11-11.

Conditions:
Inborn genetic diseases. Identifiers: MedGen C0950123, MeSH D030342.
Progressive external ophthalmoplegia with mitochondrial DNA deletions, autosomal dominant 1 (PEOA1). Also called: Autosomal Dominant Progressive External Ophthalmoplegia (adPEO); PROGRESSIVE EXTERNAL OPHTHALMOPLEGIA, AUTOSOMAL DOMINANT 1. Identifiers: MedGen C1834846, MONDO:0024528, OMIM 157640.
Progressive external ophthalmoplegia with mitochondrial DNA deletions, autosomal recessive 1 (PEOB1). Also called: Progressive external ophthalmoplegia, autosomal recessive 1; Autosomal Recessive Progressive External Ophthalmoplegia (arPEO). Identifiers: Orphanet 254886, MedGen C4225153, MONDO:0009783, OMIM 258450.
Progressive sclerosing poliodystrophy (MTDPS4A). Also called: ALPERS PROGRESSIVE INFANTILE POLIODYSTROPHY; NEURONAL DEGENERATION OF CHILDHOOD WITH LIVER DISEASE, PROGRESSIVE; Alpers-Huttenlocher Syndrome (AHS); Alpers Syndrome; Mitochondrial DNA Depletion Syndrome 4A; ALPERS DIFFUSE DEGENERATION OF CEREBRAL GRAY MATTER WITH HEPATIC CIRRHOSIS. Identifiers: Orphanet 726, MedGen C0205710, MONDO:0008758, OMIM 203700.
Sensory ataxic neuropathy, dysarthria, and ophthalmoparesis (SANDO). Also called: Epilepsy, progressive myoclonic, type 5; Sensory ataxic neuropathy-dysarthria-ophthalmoparesis syndrome; Ataxia Neuropathy Spectrum (ANS); SENSORY ATAXIC NEUROPATHY WITH MITOCHONDRIAL DNA DELETIONS, AUTOSOMAL RECESSIVE. Identifiers: Orphanet 70595, MedGen C1843851, MONDO:0011835, OMIM 607459.
Mitochondrial DNA depletion syndrome 4b. Also called: Mitochondrial Neurogastrointestinal Encephalopathy Disease, POLG-Related; MNGIE, POLG-RELATED. Identifiers: Orphanet 298, MedGen C3150914, MONDO:0013350, OMIM 613662.

Allele frequency attached by ClinVar (database versions not stated): gnomAD below 0.00001 and 0.00001; ExAC 0.00002; TOPMed 0.00002; gnomAD exomes 0.00003; ESP Exome Variant Server 0.00008; 1000 Genomes Project 30x 0.00031.
gnomAD v4.1: 23 of 1,613,526 alleles (0.0014%); highest among the groups gnomAD compares: South Asian, 0.0088%; no homozygotes.

Submissions (10):

Mayo Clinic Laboratories, Mayo Clinic
Classification: Pathogenic. Last evaluated: 2025-11-11. Review status: criteria provided, single submitter. Criteria: ACMG Guidelines, 2015. Collection method: clinical testing. Allele origin: germline. Observed: 3 variant alleles.
Comment: PP3_strong, PP4, PM3_strong, PS4_moderate

GeneDx
Classification: Pathogenic. Last evaluated: 2025-11-06. Review status: criteria provided, single submitter. Criteria: GeneDx Variant Classification Process June 2021. Collection method: clinical testing. Allele origin: germline. Affected: yes.
Comment: Not observed at significant frequency in large population cohorts (gnomAD); In silico analysis supports that this missense variant has a deleterious effect on protein structure/function; This variant is associated with the following publications: (PMID: 19251978, 25356970, 27538604, 21880868, 20138553, 3346985, 35289132, 33486010, 32650990, 34927673, 34040194, 37184518)

Labcorp Genetics (formerly Invitae), Labcorp
Classification: Pathogenic for Progressive sclerosing poliodystrophy. Last evaluated: 2025-08-11. Review status: criteria provided, single submitter. Criteria: Invitae Variant Classification Sherloc (09022015). Collection method: clinical testing. Allele origin: germline.
Comment: This sequence change replaces arginine, which is basic and polar, with tryptophan, which is neutral and slightly polar, at codon 597 of the POLG protein (p.Arg597Trp). This variant is present in population databases (rs139717885, gnomAD 0.009%). This missense change has been observed in individual(s) with clinical features of POLG-related disorders (PMID: 19251978, 20138553, 21880868, 27538604). In at least one individual the data is consistent with being in trans (on the opposite chromosome) from a pathogenic variant. ClinVar contains an entry for this variant (Variation ID: 381520). Invitae Evidence Modeling of protein sequence and biophysical properties (such as structural, functional, and spatial information, amino acid conservation, physicochemical variation, residue mobility, and thermodynamic stability) indicates that this missense variant is expected to disrupt POLG protein function with a positive predictive value of 95%. For these reasons, this variant has been classified as Pathogenic.

Fulgent Genetics
Classification: Likely pathogenic for Progressive external ophthalmoplegia with mitochondrial DNA deletions, autosomal dominant 1; Progressive sclerosing poliodystrophy; Progressive external ophthalmoplegia with mitochondrial DNA deletions, autosomal recessive 1; Sensory ataxic neuropathy, dysarthria, and ophthalmoparesis; Mitochondrial DNA depletion syndrome 4b. Last evaluated: 2024-03-14. Review status: criteria provided, single submitter. Criteria: ACMG Guidelines, 2015. Collection method: clinical testing. Allele origin: germline.

Baylor Genetics
Classification: Pathogenic for Progressive sclerosing poliodystrophy. Last evaluated: 2023-11-28. Review status: criteria provided, single submitter. Criteria: ACMG Guidelines, 2015. Collection method: clinical testing. Allele origin: unknown.

Ambry Genetics
Classification: Pathogenic for Inborn genetic diseases. Last evaluated: 2023-11-20. Review status: criteria provided, single submitter. Criteria: Ambry Variant Classification Scheme 2023. Collection method: clinical testing. Allele origin: germline.
Comment: The c.1789C>T (p.R597W) alteration is located in exon 10 (coding exon 9) of the POLG gene. This alteration results from a C to T substitution at nucleotide position 1789, causing the arginine (R) at amino acid position 597 to be replaced by a tryptophan (W). for autosomal recessive POLG-related mitochondrial disorders; however, its clinical significance for autosomal dominant POLG-related progressive external ophthalmoplegia is uncertain. Based on data from gnomAD, the T allele has an overall frequency of 0.003% (7/250782) total alleles studied. The highest observed frequency was 0.012% (2/16252) of African alleles. This variant has been identified either homozygous or with a second variant in POLG in multiple individuals with clinical features of POLG-related mitochondrial disorders (Saneto, 2010; B&eacute;reau, 2016; Bychkov, 2021; Squires, 2023). Another alteration at the same codon, c.1790G>A (p.R597Q), has been reported (Hou, 2022). This amino acid position is highly conserved in available vertebrate species. This alteration is predicted to be deleterious by in silico analysis. Based on the available evidence, this alteration is classified as pathogenic.

Baylor Genetics
Classification: Pathogenic for Sensory ataxic neuropathy, dysarthria, and ophthalmoparesis. Last evaluated: 2022-02-10. Review status: criteria provided, single submitter. Criteria: ACMG Guidelines, 2015. Collection method: clinical testing. Allele origin: unknown.

Revvity Omics, Revvity
Classification: Pathogenic. Last evaluated: 2021-06-16. Review status: criteria provided, single submitter. Criteria: ACMG Guidelines, 2015. Collection method: clinical testing. Allele origin: germline.

Wong Mito Lab, Molecular and Human Genetics, Baylor College of Medicine
Classification: Pathogenic for Progressive sclerosing poliodystrophy. Last evaluated: 2018-10-01. Review status: criteria provided, single submitter. Criteria: ACMG Guidelines, 2015. Collection method: clinical testing. Allele origin: germline.
Comment: The NM_002693.2:c.1789C>T (NP_002684.1:p.Arg597Trp) [GRCH38: NC_000015.10:g.89325610G>A] variant in POLG gene is interpretated to be a Pathogenic based on ACMG guidelines (PMID: 25741868). This variant meets the following evidence codes reported in the ACMG-guideline. PS1:This variation causes same amino-acid change as an established pathogenic variant. PS4:Prevalence of variant in affecteds statistically increased over controls. PM2:This variant is absent in key population databases. PM3:Detected in trans with a pathogenic variant for Mitochondrial DNA depletion syndrome 4A (Alpers type) which is a recessive disorder. PP1:This variant is co-segregated with Mitochondrial DNA depletion syndrome 4A (Alpers type) in multiple affected family members. PP2:This is a missense variant in POLG with a low rate of benign and high rate of pathogenic missense variations. PP4:Patient's phenotype or family history is highly specific for POLG. Based on the evidence criteria codes applied, the variant is suggested to be Pathogenic.

Eurofins Ntd Llc (ga)
Classification: Pathogenic. Last evaluated: 2016-12-07. Review status: criteria provided, single submitter. Criteria: EGL Classification Definitions 2015. Collection method: clinical testing. Allele origin: germline. Observed: 1 variant allele, 1 heterozygote.

Literature cited by the submitters: PubMed 19251978 (cited by Mayo Clinic Laboratories, Mayo Clinic and Labcorp Genetics (formerly Invitae), Labcorp); PubMed 20138553 (cited by 3 submitters); PubMed 21880868 (cited by 3 submitters); PubMed 23792104 (cited by Mayo Clinic Laboratories, Mayo Clinic); PubMed 25356970 (cited by Mayo Clinic Laboratories, Mayo Clinic); PubMed 27538604 (cited by 3 submitters); PubMed 30393377 (cited by Mayo Clinic Laboratories, Mayo Clinic and Ambry Genetics); PubMed 37184518 (cited by Mayo Clinic Laboratories, Mayo Clinic and Ambry Genetics); PubMed 33486010 (cited by Ambry Genetics); PubMed 35289132 (cited by Ambry Genetics).